The following is an entry in ClinVar:

ClinVar aggregate classification (germline): Pathogenic (1 of 4 stars; one submission).

Conditions:
Primary ciliary dyskinesia. Also called: Ciliary dyskinesia. Identifiers: Orphanet 244, MedGen C0008780, MONDO:0016575, HP:0012265.

Submission:

Labcorp Genetics (formerly Invitae), Labcorp
Classification: Pathogenic for Primary ciliary dyskinesia. Last evaluated: 2025-06-19. Review status: criteria provided, single submitter. Criteria: Invitae Variant Classification Sherloc (09022015). Collection method: clinical testing. Allele origin: germline.
Comment: This sequence change creates a premature translational stop signal (p.Ile541Serfs*2) in the CCDC40 gene. It is expected to result in an absent or disrupted protein product. Loss-of-function variants in CCDC40 are known to be pathogenic (PMID: 21131974, 22693285, 23255504). This variant is not present in population databases (gnomAD no frequency). This variant has not been reported in the literature in individuals affected with CCDC40-related conditions. ClinVar contains an entry for this variant (Variation ID: 241235). For these reasons, this variant has been classified as Pathogenic.

Literature cited by the submitters: PubMed 21131974; PubMed 22693285; PubMed 23255504.

NM_017950.4(CCDC40):c.1620del (p.Ile541fs)

Gene: CCDC40 (coiled-coil domain 40 molecular ruler complex subunit; plus strand). Cytogenetic location: 17q25.3.
Variant type: Deletion.
Coding change: c.1620del on transcript NM_017950.4 (MANE Select); coding-DNA position 1620, one base deleted (C; older notation c.1620delC).
Protein change: p.Ile541fs; shifts the reading frame from isoleucine 541.
Molecular consequence: frameshift variant.
Genome position (GRCh38, 1-based): chr17:80,081,603, C deleted; the last of 2 consecutive C bases (chr17:80,081,602-80,081,603); deleting either gives the same sequence. VCF-style (leftmost placement, unchanged base first): chr17-80081601-TC-T. GRCh37 (hg19) VCF-style: chr17-78055400-TC-T.
Other names: c.1620del, p.Ile541fs (NM_001243342.2); short protein forms I541fs.
Identifiers: ClinVar variation 241235 (VCV000241235.3), dbSNP rs878855041, ClinGen allele CA10583691.
Genomic context (GRCh38, chr17:80,081,601, plus strand): 5'-TACAGAGGATGCCAGCATCAAGCCAAATCCACCGACGGCGAGATTGAGGCCTATAAGAAA[TC>T]CATCATGAAGGAGGAAGAAAAGAACGAGAAGCTGGCGAGCATCCTGAACCGGACAGAGAC-3'